The following is an entry in ClinVar:

ClinVar aggregate classification (germline): Uncertain significance (1 of 4 stars; one submission).

Allele frequency attached by ClinVar (database versions not stated): gnomAD 0.00001.
gnomAD v4.1: 13 of 1,614,086 alleles (0.00081%); highest among the groups gnomAD compares: Middle Eastern, 0.016%; no homozygotes.

Submission:

Labcorp Genetics (formerly Invitae), Labcorp
Classification: Uncertain significance. Last evaluated: 2024-01-03. Review status: criteria provided, single submitter. Criteria: Invitae Variant Classification Sherloc (09022015). Collection method: clinical testing. Allele origin: germline.
Comment: This sequence change affects codon 469 of the CSF2RB mRNA. It is a 'silent' change, meaning that it does not change the encoded amino acid sequence of the CSF2RB protein. It affects a nucleotide within the consensus splice site. This variant is not present in population databases (gnomAD no frequency). This variant has not been reported in the literature in individuals affected with CSF2RB-related conditions. ClinVar contains an entry for this variant (Variation ID: 1376074). Algorithms developed to predict the effect of sequence changes on RNA splicing suggest that this variant is not likely to affect RNA splicing. In summary, the available evidence is currently insufficient to determine the role of this variant in disease. Therefore, it has been classified as a Variant of Uncertain Significance.

NM_000395.3(CSF2RB):c.1407G>A (p.Arg469=)

Gene: CSF2RB (colony stimulating factor 2 receptor subunit beta; plus strand). Cytogenetic location: 22q12.3.
Variant type: single nucleotide variant.
Coding change: c.1407G>A on transcript NM_000395.3 (MANE Select); coding-DNA position 1407, G replaced by A.
Protein change: p.Arg469=; no amino-acid change (arginine 469 retained).
Molecular consequence: synonymous variant.
Genome position (GRCh38, 1-based): chr22:36,935,630, G>A. VCF-style: chr22-36935630-G-A. GRCh37 (hg19) VCF-style: chr22-37331672-G-A.
Identifiers: ClinVar variation 1376074 (VCV001376074.6), dbSNP rs145182883, ClinGen allele CA514371715.